The following is an entry in ClinVar:

ClinVar aggregate classification (germline): Benign/Likely benign. Review status: criteria provided, multiple submitters, no conflicts (2 of 4 stars). 6 submissions from 6 submitters: Benign (5); Likely benign (1). Last evaluated 2025-04-09.

Conditions:
Cardiomyopathy (CMYO). Also called: Cardiomyopathies. Identifiers: Orphanet 167848, MedGen C0878544, MONDO:0004994, HP:0001638. Inheritance: Various modes of inheritance.

Allele frequency attached by ClinVar (database versions not stated): gnomAD 0.00070 and 0.00105; TOPMed 0.00096; gnomAD exomes 0.00246; 1000 Genomes Project 0.00419; 1000 Genomes Project 30x 0.00422; ExAC 0.00640.
gnomAD v4.1: 1,804 of 1,546,258 alleles (0.12%); highest among the groups gnomAD compares: East Asian, 1.5%; 23 homozygotes.

Submissions (6):

Molecular Diagnostic Laboratory for Inherited Cardiovascular Disease, Montreal Heart Institute
Classification: Benign. Last evaluated: 2025-04-09. Review status: criteria provided, single submitter. Criteria: ACMG Guidelines, 2015. Collection method: clinical testing. Allele origin: germline. Affected: no.

Blueprint Genetics
Classification: Likely benign. Last evaluated: 2024-11-08. Review status: criteria provided, single submitter. Criteria: ACMG Guidelines, 2015. Collection method: clinical testing. Allele origin: germline.

CeGaT Center for Human Genetics Tuebingen
Classification: Benign. Last evaluated: 2024-01-01. Review status: criteria provided, single submitter. Criteria: CeGaT Center For Human Genetics Tuebingen Variant Classification Criteria Version 2. Collection method: clinical testing. Allele origin: germline. Affected: yes. Observed: 5 variant alleles.
Comment: TPM1: BP4, BP7, BS1, BS2

Color Diagnostics, LLC DBA Color Health
Classification: Benign for Cardiomyopathy. Last evaluated: 2018-04-03. Review status: criteria provided, single submitter. Criteria: ACMG Guidelines, 2015. Collection method: clinical testing. Allele origin: germline.

GeneDx
Classification: Benign. Last evaluated: 2015-03-03. Review status: criteria provided, single submitter. Criteria: GeneDx Variant Classification Process June 2021. Collection method: clinical testing. Allele origin: germline. Affected: yes.

Laboratory for Molecular Medicine, Mass General Brigham Personalized Medicine
Classification: Benign. Last evaluated: 2012-09-19. Review status: criteria provided, single submitter. Criteria: LMM Criteria. Collection method: clinical testing. Allele origin: germline. Observed: 8 variant alleles.
Comment: Leu39Leu in exon 1A of TPM1: This variant is not expected to have clinical signi ficance because it does not alter an amino acid residue and has been identified in 1.2% (7/572) of Asian chromosomes from a broad population by the 1000 Genomes project (dbSNP rs201720832).

NM_001018005.2(TPM1):c.115-319C>G

Gene: TPM1 (tropomyosin 1; plus strand). Cytogenetic location: 15q22.2.
Variant type: single nucleotide variant.
Coding change: c.115-319C>G on transcript NM_001018005.2 (MANE Select); 319 bases into the intron before coding-DNA position 115, C replaced by G.
Molecular consequence: intron variant. On other transcripts: synonymous variant (4).
Genome position (GRCh38, 1-based): chr15:63,043,708, C>G. VCF-style: chr15-63043708-C-G. GRCh37 (hg19) VCF-style: chr15-63335907-C-G.
Other names: c.117C>G, p.Leu39= (NM_001018007.2, NM_001018020.2, NM_001301244.2 and 1 more transcripts); c.115-319C>G (NM_001018006.2, NM_001365776.1, NM_001018004.2 and 3 more transcripts); c.117C>G (NM_001018007.1).
Identifiers: ClinVar variation 43684 (VCV000043684.39), dbSNP rs201720832, ClinGen allele CA018635.
Genomic context (GRCh38, chr15:63,043,708, plus strand): 5'-TGTGTGTCTAACACCCGGTCCGTGCCGGCCGCCCGCGCCCGCCCGCCGCTGCCCCCAGCT[C>G]GAGGAGGACATCGCGGCCAAGGAGAAGTTGCTGCGGGTGTCGGAGGACGAGCGGGACCGG-3'